The following is an entry in ClinVar:

NM_001165963.4(SCN1A):c.509T>A (p.Leu170His)

Gene: SCN1A (sodium voltage-gated channel alpha subunit 1; minus strand). Cytogenetic location: 2q24.3.
Variant type: single nucleotide variant.
Coding change: c.509T>A on transcript NM_001165963.4 (MANE Select); coding-DNA position 509, T replaced by A.
Protein change: p.Leu170His; replaces leucine 170 with histidine.
Molecular consequence: missense variant. On other transcripts: 5 prime UTR variant (1), non-coding transcript variant (1).
Genome position (GRCh38, 1-based): chr2:166,054,731, A>T on the plus strand (T>A on the coding strand, the complement: SCN1A is on the minus strand). VCF-style: chr2-166054731-A-T. GRCh37 (hg19) VCF-style: chr2-166911241-A-T.
Other names: c.509T>A, p.Leu170His (NM_001165964.3, NM_001202435.3, NM_001353948.2 and 10 more transcripts); c.-1917T>A (NM_001353961.2); short protein forms L170H.
Identifiers: ClinVar variation 1718615 (VCV001718615.5), dbSNP rs1064793315, ClinGen allele CA349075607.

ClinVar aggregate classification (germline): Uncertain significance (1 of 4 stars; one submission).

Conditions:
Early-infantile DEE. Also called: Early infantile epileptic encephalopathy with suppression bursts; Early infantile epileptic encephalopathy; Ohtahara syndrome. Identifiers: Orphanet 1934, MedGen C0393706, MONDO:0800491.

Submission:

Labcorp Genetics (formerly Invitae), Labcorp
Classification: Uncertain significance for Early-infantile DEE. Last evaluated: 2022-09-01. Review status: criteria provided, single submitter. Criteria: Invitae Variant Classification Sherloc (09022015). Collection method: clinical testing. Allele origin: germline.
Comment: This sequence change replaces leucine, which is neutral and non-polar, with histidine, which is basic and polar, at codon 170 of the SCN1A protein (p.Leu170His). This variant is not present in population databases (gnomAD no frequency). This variant has not been reported in the literature in individuals affected with SCN1A-related conditions. In summary, the available evidence is currently insufficient to determine the role of this variant in disease. Therefore, it has been classified as a Variant of Uncertain Significance. Advanced modeling of protein sequence and biophysical properties (such as structural, functional, and spatial information, amino acid conservation, physicochemical variation, residue mobility, and thermodynamic stability) performed at Invitae indicates that this missense variant is expected to disrupt SCN1A protein function.